The following is an entry in ClinVar:

ClinVar aggregate classification (germline): Likely benign (1 of 4 stars; one submission).

Submission:

Mayo Clinic Laboratories, Mayo Clinic
Classification: Likely benign. Last evaluated: 2025-10-07. Review status: criteria provided, single submitter. Criteria: ACMG Guidelines, 2015. Collection method: clinical testing. Allele origin: germline. Observed: 1 variant allele.
Comment: BP4, BP7, PM2_supporting

NM_001128178.3(NPHP1):c.859+8_859+9insGCA

Gene: NPHP1 (nephrocystin 1; minus strand). Cytogenetic location: 2q13.
Variant type: Insertion.
Coding change: c.859+8_859+9insGCA on transcript NM_001128178.3 (MANE Select); bases 8 to 9 of the intron after coding-DNA position 859, GCA inserted.
Molecular consequence: intron variant.
Genome position: GRCh38 VCF-style: chr2-110163039-A-ACTG. GRCh37 (hg19) VCF-style: chr2-110920616-A-ACTG.
Other names: p.?; c.670+8_670+9insGCA (NM_001128179.3); c.856+8_856+9insGCA (NM_001374256.1); c.859+8_859+9insGCA (NM_001374257.1); c.1024+8_1024+9insGCA (NM_207181.4); c.1027+8_1027+9insGCA (NM_000272.5).
Identifiers: ClinVar variation 4684587 (VCV004684587.1).